The following is an entry in ClinVar:

ClinVar aggregate classification (germline): Uncertain significance (1 of 4 stars; one submission).

Conditions:
BBS4-related disorder. Also called: BBS4-related condition.

gnomAD v4.1: 1 of 1,613,528 alleles (0.000062%); highest among the groups gnomAD compares: South Asian, 0.0011%; no homozygotes.

Submission:

PreventionGenetics, part of Exact Sciences
Classification: Uncertain significance for BBS4-related condition. Last evaluated: 2025-05-21. Review status: criteria provided, single submitter. Criteria: ACMG Guidelines, 2015. Collection method: clinical testing. Allele origin: germline.
Comment: The BBS4 c.1091C>G variant is predicted to result in the amino acid substitution p.Ala364Gly. To our knowledge, this variant has not been reported in the literature. An alternate missense change at the same amino acid position (p.Ala364Glu) has been reported in the homozygous and compound heterozygous state in individuals with Bardet-Biedl syndrome (Katsanis et al. 2002. PubMed ID: 12016587; Weisschuh et al. 2020. PubMed ID: 32531858; Zacchia et al. 2021. PubMed ID: 33964006). This variant is reported in 0.0033% of alleles in individuals of South Asian descent in gnomAD. At this time, the clinical significance of this variant is uncertain due to the absence of conclusive functional and genetic evidence.

NM_033028.5(BBS4):c.1091C>G (p.Ala364Gly)

Gene: BBS4 (Bardet-Biedl syndrome 4; plus strand). Cytogenetic location: 15q24.1.
Variant type: single nucleotide variant.
Coding change: c.1091C>G on transcript NM_033028.5 (MANE Select); coding-DNA position 1091, C replaced by G.
Protein change: p.Ala364Gly; replaces alanine 364 with glycine.
Molecular consequence: missense variant. On other transcripts: non-coding transcript variant (2).
Genome position (GRCh38, 1-based): chr15:72,735,167, C>G. VCF-style: chr15-72735167-C-G. GRCh37 (hg19) VCF-style: chr15-73027508-C-G.
Other names: c.575C>G, p.Ala192Gly (NM_001252678.2); c.1022C>G, p.Ala341Gly (NM_001320665.2); short protein forms A192G, A364G, A341G.
Identifiers: ClinVar variation 5000882 (VCV005000882.1).
Genomic context (GRCh38, chr15:72,735,167, plus strand): 5'-TTGCAGTGGCTCTGACCAATCTGGAAGATATAGAAAATGCCAAGAGAGCCTACGCAGAAG[C>G]AGTCCACCTGGATAAGTATGCACTTTGTTGAGAATGGTACTGGCGGGGGTTGGACTCTCC-3'
Protein context (NP_149017.2, residues 354-374): IENAKRAYAE[Ala364Gly]VHLDKCNPLV